The following is an entry in ClinVar:

NM_001903.5(CTNNA1):c.1147C>T (p.Arg383Cys)

Gene: CTNNA1 (catenin alpha 1; plus strand). Cytogenetic location: 5q31.2.
Variant type: single nucleotide variant.
Coding change: c.1147C>T on transcript NM_001903.5 (MANE Select); coding-DNA position 1147, C replaced by T.
Protein change: p.Arg383Cys; replaces arginine 383 with cysteine.
Molecular consequence: missense variant. On other transcripts: 5 prime UTR variant (5), intron variant (2).
Genome position (GRCh38, 1-based): chr5:138,887,493, C>T. VCF-style: chr5-138887493-C-T. GRCh37 (hg19) VCF-style: chr5-138223182-C-T.
Other names: c.1147C>T, p.Arg383Cys (NM_001290307.3, NM_001323982.2, NM_001323983.1 and 3 more transcripts); c.838C>T, p.Arg280Cys (NM_001290309.3); c.778C>T, p.Arg260Cys (NM_001290310.3); c.37C>T, p.Arg13Cys (NM_001290312.1, NM_001323987.1, NM_001323988.1 and 18 more transcripts); c.-361C>T (NM_001324006.1, NM_001324007.1, NM_001324008.1 and 1 more transcripts); c.-236C>T (NM_001324013.1); c.-58+11896C>T (NM_001324012.1); c.-61+11896C>T (NM_001324010.1); and 1 more; short protein forms R260C, R280C, R13C, R383C.
Identifiers: ClinVar variation 822256 (VCV000822256.16), dbSNP rs779064875, ClinGen allele CA128238099.

ClinVar aggregate classification (germline): Uncertain significance. Review status: criteria provided, multiple submitters, no conflicts (2 of 4 stars). 4 submissions from 4 submitters: Uncertain significance (4). Last evaluated 2025-12-09.

Conditions:
Hereditary cancer-predisposing syndrome. Also called: Tumor predisposition; Hereditary Cancer Syndrome; Neoplastic Syndromes, Hereditary; Hereditary neoplastic syndrome. Identifiers: Orphanet 140162, MedGen C0027672, MeSH D009386, MONDO:0015356.
Patterned macular dystrophy 2. Identifiers: Orphanet 99001, MedGen C1837029, MONDO:0012162, OMIM 608970.

Allele frequency attached by ClinVar (database versions not stated): gnomAD exomes 0.00001; TOPMed 0.00001.
gnomAD v4.1: 10 of 1,590,486 alleles (0.00063%); highest among the groups gnomAD compares: East Asian, 0.0023%; no homozygotes.

Submissions (4):

Labcorp Genetics (formerly Invitae), Labcorp
Classification: Uncertain significance. Last evaluated: 2025-12-09. Review status: criteria provided, single submitter. Criteria: Invitae Variant Classification Sherloc (09022015). Collection method: clinical testing. Allele origin: germline.
Comment: This sequence change replaces arginine, which is basic and polar, with cysteine, which is neutral and slightly polar, at codon 383 of the CTNNA1 protein (p.Arg383Cys). This variant is present in population databases (rs779064875, gnomAD 0.0009%). This variant has not been reported in the literature in individuals affected with CTNNA1-related conditions. ClinVar contains an entry for this variant (Variation ID: 822256). Invitae Evidence Modeling of protein sequence and biophysical properties (such as structural, functional, and spatial information, amino acid conservation, physicochemical variation, residue mobility, and thermodynamic stability) indicates that this missense variant is not expected to disrupt CTNNA1 protein function with a negative predictive value of 80%. In summary, the available evidence is currently insufficient to determine the role of this variant in disease. Therefore, it has been classified as a Variant of Uncertain Significance.

GeneDx
Classification: Uncertain significance. Last evaluated: 2024-09-13. Review status: criteria provided, single submitter. Criteria: GeneDx Variant Classification Process June 2021. Collection method: clinical testing. Allele origin: germline. Affected: yes.
Comment: In silico analysis supports that this missense variant has a deleterious effect on protein structure/function; Has not been previously published as pathogenic or benign to our knowledge

Ambry Genetics
Classification: Uncertain significance for Hereditary cancer-predisposing syndrome. Last evaluated: 2024-06-18. Review status: criteria provided, single submitter. Criteria: Ambry Variant Classification Scheme 2023. Collection method: clinical testing. Allele origin: germline.
Comment: The p.R383C variant (also known as c.1147C>T), located in coding exon 8 of the CTNNA1 gene, results from a C to T substitution at nucleotide position 1147. The arginine at codon 383 is replaced by cysteine, an amino acid with highly dissimilar properties. This amino acid position is highly conserved in available vertebrate species. In addition, the in silico prediction for this alteration is inconclusive. The evidence for this gene-disease relationship is limited; therefore, the clinical significance of this alteration is unclear.

Baylor Genetics
Classification: Uncertain significance for Patterned macular dystrophy 2. Last evaluated: 2023-06-16. Review status: criteria provided, single submitter. Criteria: ACMG Guidelines, 2015. Collection method: clinical testing. Allele origin: unknown.